The following is an entry in ClinVar:

NM_000059.4(BRCA2):c.9501+7_9501+8insAGTAAGGTAAGGT

Gene: BRCA2 (BRCA2 DNA repair associated; plus strand). Cytogenetic location: 13q13.1.
Variant type: Microsatellite.
Coding change: c.9501+7_9501+8insAGTAAGGTAAGGT on transcript NM_000059.4 (MANE Select); bases 7 to 8 of the intron after coding-DNA position 9501, AGTAAGGTAAGGT inserted.
Molecular consequence: splice donor variant.
Genome position: GRCh38 VCF-style: chr13-32394931-G-GAGGTAAGGTAGTA. GRCh37 (hg19) VCF-style: chr13-32969068-G-GAGGTAAGGTAGTA.
Other names: p.?; c.9501+7_9501+8insAGTAAGGTAAGGT (NM_000059.3).
Identifiers: ClinVar variation 1404547 (VCV001404547.11), dbSNP rs1163368452.
Genomic context (GRCh38, chr13:32,394,931, plus strand): 5'-TCTGCTAGTCCAAAAGAGGGCCACTTTCAAGAGACATTCAACAAAATGAAAAATACTGTT[G>GAGGTAAGGTAGTA]AGGTAAGGTTACTTTTCAGCATCACCACACATTTTGGTATTTTTCTATTTTGACAGTCCA-3'

ClinVar aggregate classification (germline): Conflicting classifications of pathogenicity. Review status: criteria provided, conflicting classifications (1 of 4 stars). 4 submissions from 4 submitters: Uncertain significance (3); Likely benign (1). Last evaluated 2025-11-27.

Conditions:
Hereditary breast ovarian cancer syndrome. Also called: Hereditary breast and/or ovarian cancer syndrome; BRCA1- and BRCA2-Associated Hereditary Breast and Ovarian Cancer; Hereditary breast and ovarian cancer; Hereditary breast and ovarian cancer syndrome (HBOC); Breast and ovarian cancer; Hereditary breast and ovarian cancer syndrome. Identifiers: Orphanet 145, MedGen C0677776, MeSH D061325, MONDO:0003582. Disease mechanism: loss of function.
Hereditary cancer-predisposing syndrome. Also called: Neoplastic Syndromes, Hereditary; Hereditary neoplastic syndrome; Hereditary Cancer Syndrome; Tumor predisposition. Identifiers: Orphanet 140162, MedGen C0027672, MeSH D009386, MONDO:0015356.
Breast-ovarian cancer, familial, susceptibility to, 2 (BROVCA2). Also called: BRCA2 Hereditary Breast and Ovarian Cancer. Identifiers: Orphanet 145, MedGen C2675520, MONDO:0012933, OMIM 612555. Disease mechanism: loss of function.

Submissions (4):

Labcorp Genetics (formerly Invitae), Labcorp
Classification: Likely benign for Hereditary breast ovarian cancer syndrome. Last evaluated: 2025-11-27. Review status: criteria provided, single submitter. Criteria: Invitae Variant Classification Sherloc (09022015). Collection method: clinical testing. Allele origin: germline.

Mayo Clinic Laboratories, Mayo Clinic
Classification: Uncertain significance. Last evaluated: 2025-09-24. Review status: criteria provided, single submitter. Criteria: ACMG Guidelines, 2015. Collection method: clinical testing. Allele origin: germline. Observed: 1 variant allele.
Comment: PP3, PM2_supporting

Color Diagnostics, LLC DBA Color Health
Classification: Uncertain significance for Hereditary cancer-predisposing syndrome. Last evaluated: 2025-06-11. Review status: criteria provided, single submitter. Criteria: ACMG Guidelines, 2015. Collection method: clinical testing. Allele origin: germline.
Comment: This variant inserts 13 nucleotides in intron 25 and introduces a cryptic splice donor site in the proximity to the reference intron 25 splice donor site in the BRCA2 gene. To our knowledge, functional and RNA studies have not been reported for this variant. This variant has not been reported in individuals affected with BRCA2-related disorders in the literature. This variant has been identified in 3/251038 chromosomes in the general population by the Genome Aggregation Database (gnomAD). The available evidence is insufficient to determine the role of this variant in disease conclusively. Therefore, this variant is classified as a Variant of Uncertain Significance.

All of Us Research Program, National Institutes of Health
Classification: Uncertain significance for Breast-ovarian cancer, familial, susceptibility to, 2. Last evaluated: 2023-11-30. Review status: criteria provided, single submitter. Criteria: ACMG Guidelines, 2015. Collection method: clinical testing. Allele origin: germline. Inheritance: Autosomal dominant inheritance. Observed: 2 variant alleles, 2 heterozygotes.
Comment: This study involves interpretation of variants in research participants for the purpose of population health screening. Participant phenotype was not available at the time of variant classification. Additional details can be found in publication PMID: 35346344, PMCID: PMC8962531